The following is an entry in ClinVar:

NM_004168.4(SDHA):c.46_52dup (p.Leu18fs)

Gene: SDHA (succinate dehydrogenase complex flavoprotein subunit A; plus strand). Cytogenetic location: 5p15.33.
Variant type: Duplication.
Coding change: c.46_52dup on transcript NM_004168.4 (MANE Select); coding-DNA positions 46 to 52, 7 bases duplicated (CTGGCGC; older notation c.46_52dupCTGGCGC).
Protein change: p.Leu18fs; shifts the reading frame from leucine 18.
Molecular consequence: frameshift variant.
Genome position (GRCh38, 1-based): chr5:218,401-218,407, CTGGCGC duplicated; duplicating any 7 consecutive bases within chr5:218,396-218,407 gives the same sequence; the c. name uses the placement nearest the transcript's 3' end. VCF-style (leftmost placement, unchanged base first): chr5-218395-C-CGGCGCCT. GRCh37 (hg19) VCF-style: chr5-218510-C-CGGCGCCT.
Other names: c.46_52dupCTGGCGC (NM_004168.3, NM_004168.2); c.46_52dup, p.Leu18fs (NM_001294332.2, NM_001330758.2); c.46_52dup (NM_004168.2); short protein forms L18fs.
Identifiers: ClinVar variation 574154 (VCV000574154.9), dbSNP rs1560980939, ClinGen allele CA891842618.

ClinVar aggregate classification (germline): Pathogenic/Likely pathogenic. Review status: criteria provided, multiple submitters, no conflicts (2 of 4 stars). 4 submissions from 4 submitters: Pathogenic (3); Likely pathogenic (1). Last evaluated 2025-10-08.

Conditions:
Pheochromocytoma/paraganglioma syndrome 5. Also called: Paragangliomas 5; SDHA-Related Hereditary Paraganglioma-Pheochromocytoma Syndrome. Identifiers: Orphanet 29072, MedGen C3279992, MONDO:0013602, OMIM 614165.
Mitochondrial complex II deficiency, nuclear type 1. Also called: SUCCINATE CoQ REDUCTASE DEFICIENCY. Identifiers: Orphanet 3208, MedGen C5700310, MONDO:0100294, OMIM 252011.
Hereditary cancer-predisposing syndrome. Also called: Neoplastic Syndromes, Hereditary; Tumor predisposition; Hereditary neoplastic syndrome; Hereditary Cancer Syndrome. Identifiers: Orphanet 140162, MedGen C0027672, MeSH D009386, MONDO:0015356.

Submissions (4):

Labcorp Genetics (formerly Invitae), Labcorp
Classification: Pathogenic for Pheochromocytoma/paraganglioma syndrome 5; Mitochondrial complex II deficiency, nuclear type 1. Last evaluated: 2025-10-08. Review status: criteria provided, single submitter. Criteria: Invitae Variant Classification Sherloc (09022015). Collection method: clinical testing. Allele origin: germline.
Comment: This sequence change creates a premature translational stop signal (p.Leu18Profs*23) in the SDHA gene. It is expected to result in an absent or disrupted protein product. Loss-of-function variants in SDHA are known to be pathogenic (PMID: 22974104, 24781757). This variant is not present in population databases (gnomAD no frequency). This variant has not been reported in the literature in individuals affected with SDHA-related conditions. ClinVar contains an entry for this variant (Variation ID: 574154). For these reasons, this variant has been classified as Pathogenic.

Ambry Genetics
Classification: Pathogenic for Hereditary cancer-predisposing syndrome. Last evaluated: 2024-09-19. Review status: criteria provided, single submitter. Criteria: Ambry Variant Classification Scheme 2023. Collection method: clinical testing. Allele origin: germline.
Comment: The c.46_52dupCTGGCGC pathogenic mutation, located in coding exon 1 of the SDHA gene, results from a duplication of CTGGCGC at nucleotide position 46, causing a translational frameshift with a predicted alternate stop codon (p.L18Pfs*23). This variant is considered to be rare based on population cohorts in the Genome Aggregation Database (gnomAD). This alteration is expected to result in loss of function by premature protein truncation or nonsense-mediated mRNA decay. As such, this alteration is interpreted as a disease-causing mutation.

Myriad Genetics, Inc.
Classification: Pathogenic for Pheochromocytoma/paraganglioma syndrome 5. Last evaluated: 2024-02-07. Review status: criteria provided, single submitter. Criteria: Myriad Autosomal Dominant, Autosomal Recessive and X-Linked Classification Criteria (2023). Collection method: clinical testing. Allele origin: unknown.
Comment: This variant is considered pathogenic. This variant creates a frameshift predicted to result in premature protein truncation.

GeneDx
Classification: Likely pathogenic. Last evaluated: 2023-02-16. Review status: criteria provided, single submitter. Criteria: GeneDx Variant Classification Process June 2021. Collection method: clinical testing. Allele origin: germline. Affected: yes.
Comment: Frameshift variant predicted to result in protein truncation or nonsense mediated decay in a gene for which loss-of-function is a known mechanism of disease; Has not been previously published as pathogenic or benign to our knowledge; Not observed at significant frequency in large population cohorts (gnomAD)

Literature cited by the submitters: PubMed 22974104 (cited by Labcorp Genetics (formerly Invitae), Labcorp); PubMed 24781757 (cited by Labcorp Genetics (formerly Invitae), Labcorp).